The following is an entry in ClinVar:

NM_000089.4(COL1A2):c.226-16T>C

Gene: COL1A2 (collagen type I alpha 2 chain; plus strand). Cytogenetic location: 7q21.3.
Variant type: single nucleotide variant.
Coding change: c.226-16T>C on transcript NM_000089.4 (MANE Select); 16 bases into the intron before coding-DNA position 226, T replaced by C.
Molecular consequence: intron variant.
Genome position (GRCh38, 1-based): chr7:94,401,551, T>C. VCF-style: chr7-94401551-T-C. GRCh37 (hg19) VCF-style: chr7-94030863-T-C.
Identifiers: ClinVar variation 511184 (VCV000511184.7), dbSNP rs542458716, ClinGen allele CA4346583.

ClinVar aggregate classification (germline): Likely benign. Review status: criteria provided, multiple submitters, no conflicts (2 of 4 stars). 3 submissions from 3 submitters: Likely benign (3). Last evaluated 2024-07-26.

Conditions:
Osteogenesis imperfecta type I (OI1). Also called: Lobstein's Disease; OI, TYPE I; OSTEOGENESIS IMPERFECTA TARDA; OSTEOGENESIS IMPERFECTA WITH BLUE SCLERAE; Classic Non-deforming Osteogenesis Imperfecta with Blue Sclerae; Lobstein disease. Identifiers: Orphanet 216796, Orphanet 666, MedGen C0023931, MONDO:0008146, OMIM 166200. Disease mechanism: loss of function.
Ehlers-Danlos syndrome, classic type, 1 (EDSCL1). Also called: Ehlers-Danlos syndrome, type 1; EHLERS-DANLOS SYNDROME, GRAVIS TYPE; EHLERS-DANLOS SYNDROME, SEVERE CLASSIC TYPE; Ehlers-Danlos Syndrome, Classic Type, COL5A1-Related; EDS I. Identifiers: MedGen C0268335, MONDO:0019567, OMIM 130000.

Allele frequency attached by ClinVar (database versions not stated): 1000 Genomes Project 30x 0.00016; 1000 Genomes Project 0.00020.
gnomAD v4.1: 32 of 1,291,848 alleles (0.0025%); highest among the groups gnomAD compares: South Asian, 0.072%; 1 homozygote.

Submissions (3):

Blueprint Genetics
Classification: Likely benign. Last evaluated: 2024-07-26. Review status: criteria provided, single submitter. Criteria: ACMG Guidelines, 2015. Collection method: clinical testing. Allele origin: germline.

Labcorp Genetics (formerly Invitae), Labcorp
Classification: Likely benign for Osteogenesis imperfecta type I; Ehlers-Danlos syndrome, classic type, 1. Last evaluated: 2022-05-04. Review status: criteria provided, single submitter. Criteria: Invitae Variant Classification Sherloc (09022015). Collection method: clinical testing. Allele origin: germline.

GeneDx
Classification: Likely benign. Last evaluated: 2017-08-07. Review status: criteria provided, single submitter. Criteria: GeneDx Variant Classification (06012015). Collection method: clinical testing. Allele origin: germline. Affected: yes.
Comment: This variant is considered likely benign or benign based on one or more of the following criteria: it is a conservative change, it occurs at a poorly conserved position in the protein, it is predicted to be benign by multiple in silico algorithms, and/or has population frequency not consistent with disease.